The following is an entry in ClinVar:

ClinVar aggregate classification (germline): Uncertain significance (1 of 4 stars; one submission).

Conditions:
Catecholaminergic polymorphic ventricular tachycardia (CVPT). Also called: Catecholamine-induced polymorphic ventricular tachycardia. Identifiers: Orphanet 3286, MedGen C5574922, MONDO:0017990.

Submission:

All of Us Research Program, National Institutes of Health
Classification: Uncertain significance for Catecholaminergic polymorphic ventricular tachycardia. Last evaluated: 2024-07-29. Review status: criteria provided, single submitter. Criteria: ACMG Guidelines, 2015. Collection method: clinical testing. Allele origin: germline. Inheritance: Autosomal dominant inheritance. Observed: 2 variant alleles, 2 heterozygotes.
Comment: This missense variant replaces glutamic acid with glycine at codon 1971 of the RYR2 protein. Computational prediction is inconclusive regarding the impact of this variant on protein structure and function (internally defined REVEL score threshold 0.5 < inconclusive < 0.7, PMID: 27666373). To our knowledge, functional studies have not been reported for this variant. This variant has not been reported in individuals affected with RYR2-related disorders in the literature. This variant has not been identified in the general population by the Genome Aggregation Database (gnomAD). The available evidence is insufficient to determine the role of this variant in disease conclusively. Therefore, this variant is classified as a Variant of Uncertain Significance.

This study involves interpretation of variants in research participants for the purpose of population health screening. Participant phenotype was not available at the time of variant classification. Additional details can be found in publication PMID: 35346344, PMCID: PMC8962531

NM_001035.3(RYR2):c.5912A>G (p.Glu1971Gly)

Gene: RYR2 (ryanodine receptor 2; plus strand). Cytogenetic location: 1q43.
Variant type: single nucleotide variant.
Coding change: c.5912A>G on transcript NM_001035.3 (MANE Select); coding-DNA position 5912, A replaced by G.
Protein change: p.Glu1971Gly; replaces glutamic acid 1971 with glycine.
Molecular consequence: missense variant.
Genome position (GRCh38, 1-based): chr1:237,617,482, A>G. VCF-style: chr1-237617482-A-G. GRCh37 (hg19) VCF-style: chr1-237780782-A-G.
Other names: short protein forms E1971G.
Identifiers: ClinVar variation 3385748 (VCV003385748.1).